The following is an entry in ClinVar:

ClinVar aggregate classification (germline): Uncertain significance. Review status: criteria provided, multiple submitters, no conflicts (2 of 4 stars). 3 submissions from 3 submitters: Uncertain significance (3). Last evaluated 2026-08-11.

Conditions:
Familial spontaneous pneumothorax (PSP). Identifiers: Orphanet 2903, MedGen C1868193, MONDO:0008259, OMIM 173600.
Nonpapillary renal cell carcinoma. Identifiers: Orphanet 422526, MedGen CN074294, MONDO:0007763, OMIM 144700.
Colorectal cancer. Also called: Malignant Colorectal Neoplasm; Colorectal cancer, somatic. Identifiers: MedGen C0346629, MONDO:0005575, OMIM 114500.
Birt-Hogg-Dube syndrome 1 (BHD1). Also called: FIBROFOLLICULOMAS WITH TRICHODISCOMAS AND ACROCHORDONS. Identifiers: Orphanet 122, MedGen CN375946, MONDO:0800445, OMIM 135150.
Birt-Hogg-Dube syndrome. Also called: Birt Hogg Dubé syndrome. Identifiers: Orphanet 122, MedGen C0346010, MONDO:0800444.
Hereditary cancer-predisposing syndrome. Also called: Neoplastic Syndromes, Hereditary; Hereditary Cancer Syndrome; Hereditary neoplastic syndrome; Tumor predisposition. Identifiers: Orphanet 140162, MedGen C0027672, MeSH D009386, MONDO:0015356.

Submissions (3):

Ambry Genetics
Classification: Uncertain significance for Hereditary cancer-predisposing syndrome. Last evaluated: 2026-08-11. Review status: criteria provided, single submitter. Criteria: Ambry Variant Classification Scheme 2023. Collection method: clinical testing. Allele origin: germline.
Comment: The p.T560I variant (also known as c.1679C>T), located in coding exon 11 of the FLCN gene, results from a C to T substitution at nucleotide position 1679. The threonine at codon 560 is replaced by isoleucine, an amino acid with similar properties. This amino acid position is conserved. In addition, the in silico prediction for this alteration is inconclusive. Based on the available evidence, the clinical significance of this variant remains unclear.

Fulgent Genetics
Classification: Uncertain significance for Colorectal cancer; Birt-Hogg-Dube syndrome 1; Nonpapillary renal cell carcinoma; Familial spontaneous pneumothorax. Last evaluated: 2024-06-17. Review status: criteria provided, single submitter. Criteria: ACMG Guidelines, 2015. Collection method: clinical testing. Allele origin: germline.

Labcorp Genetics (formerly Invitae), Labcorp
Classification: Uncertain significance for Birt-Hogg-Dube syndrome. Last evaluated: 2018-09-24. Review status: criteria provided, single submitter. Criteria: Invitae Variant Classification Sherloc (09022015). Collection method: clinical testing. Allele origin: germline.
Comment: This sequence change replaces threonine with isoleucine at codon 560 of the FLCN protein (p.Thr560Ile). The threonine residue is moderately conserved and there is a moderate physicochemical difference between threonine and isoleucine. This variant is not present in population databases (ExAC no frequency). This variant has not been reported in the literature in individuals with FLCN-related disease. Algorithms developed to predict the effect of missense changes on protein structure and function are either unavailable or do not agree on the potential impact of this missense change (SIFT: "Tolerated"; PolyPhen-2: "Possibly Damaging"; Align-GVGD: "Class C0"). In summary, the available evidence is currently insufficient to determine the role of this variant in disease. Therefore, it has been classified as a Variant of Uncertain Significance.

NM_144997.7(FLCN):c.1679C>T (p.Thr560Ile)

Gene: FLCN (folliculin; minus strand). Cytogenetic location: 17p11.2.
Variant type: single nucleotide variant.
Coding change: c.1679C>T on transcript NM_144997.7 (MANE Select); coding-DNA position 1679, C replaced by T.
Protein change: p.Thr560Ile; replaces threonine 560 with isoleucine.
Molecular consequence: missense variant.
Genome position (GRCh38, 1-based): chr17:17,213,716, G>A on the plus strand (C>T on the coding strand, the complement: FLCN is on the minus strand). VCF-style: chr17-17213716-G-A. GRCh37 (hg19) VCF-style: chr17-17117030-G-A.
Other names: c.1679C>T (LRG_325t1); c.1733C>T, p.Thr578Ile (NM_001353229.2); c.1679C>T, p.Thr560Ile (NM_001353230.2, NM_001353231.2); short protein forms T560I, T578I.
Identifiers: ClinVar variation 644147 (VCV000644147.8), dbSNP rs1597573772, ClinGen allele CA398529868.